The following continues an entry in ClinVar:

NM_000257.4(MYH7):c.2606G>A (p.Arg869His)

ClinVar aggregate classification (germline): Likely pathogenic. Likely pathogenic (1).

Submissions 14 to 24 of 24:

GeneDx
Classification: Pathogenic. Last evaluated: 2021-10-26. Review status: criteria provided, single submitter. Criteria: GeneDx Variant Classification Process June 2021. Collection method: clinical testing. Allele origin: germline. Affected: yes. Not counted in ClinVar's aggregate classification.
Comment: In silico analysis supports that this missense variant has a deleterious effect on protein structure/function; This variant is associated with the following publications: (PMID: 25078086, 22763267, 24093860, 25351510, 20359594, 25524337, 9172070, 31112422, 30297972, 22958901, 10024460, 18533079, 15358028, 21835320, 24793961, 27247418, 26332594, 27532257, 23674513, 29121657, 29875424, 31447099, 32894683)

Fulgent Genetics
Classification: Likely pathogenic for MYH7-related skeletal myopathy; Myosin storage myopathy; Hypertrophic cardiomyopathy 1; Myopathy, myosin storage, autosomal recessive; Congenital myopathy 4A, autosomal dominant; Dilated cardiomyopathy 1S. Last evaluated: 2021-08-21. Review status: criteria provided, single submitter. Criteria: ACMG Guidelines, 2015. Collection method: clinical testing. Allele origin: unknown. Not counted in ClinVar's aggregate classification.

Johns Hopkins Genomics, Johns Hopkins University
Classification: Likely pathogenic. Last evaluated: 2021-05-05. Review status: criteria provided, single submitter. Criteria: ACMG Guidelines, 2015. Collection method: clinical testing. Allele origin: germline. Not counted in ClinVar's aggregate classification.

Greenwood Genetic Center Diagnostic Laboratories, Greenwood Genetic Center
Classification: Likely pathogenic. Last evaluated: 2021-02-08. Review status: criteria provided, single submitter. Criteria: ACMG Guidelines, 2015. Collection method: clinical testing. Allele origin: germline. Not counted in ClinVar's aggregate classification.
Comment: PS4, PM1

Cardiology unit, Meyer University Hospital
Classification: Pathogenic for Primary familial hypertrophic cardiomyopathy. Last evaluated: 2020-01-27. Review status: criteria provided, single submitter. Criteria: ACMG Guidelines, 2015. Collection method: clinical testing. Allele origin: germline. Inheritance: Autosomal dominant inheritance. Affected: yes. Observed: 30 variant alleles, 30 heterozygotes. Not counted in ClinVar's aggregate classification.
Comment: The MYH7:Arg869His variant has been implicated in HCM in several studies (Van Driest et al, 2004; Girolami et al., 2006, Olivotto et al., 2008; Girolami et al., 2010; Witjas-Paalberens et al., 2013; Marsiglia et al., 2013; Adalsteinsdottir et al., 2014; Bos et al., 2014; Mazzarotto & Girolami et al., 2018). This variant is sufficiently rare in the gnomAD population database (MAF 2.39E-5) to activate the PM2 moderate criteria for rarity as per the ACMG/AMP variant interpretation guidelines adapted for MYH7 variants in cardiomyopathy (Kelly et al., 2018). The Arg869His variant alters a residue within the myosin head, which constitutes a large hotspot for variants with a high prior likelihood of pathogenicity in HCM characterised by etiological fraction >0.95 (Kelly et al., 2018 defines ita s between residues 181-937; Walsh et al., 2019 as 167-931), causing the activation of the PM1 criteria (Kelly et al., 2018). Furthermore, we found evidence of co-segregation with HCM in a large Italian pedigree comprising 7 affected carriers and 1 deceased obligate carrier reported to be affected. This enables activation of the PP1_strong criteria for observing >=7 meioses (Kelly et al., 2018). This variant is also carried by 30 of 1198 unrelated probands with HCM tested at the nearby Careggi University Hospital as opposed to 0 of 356 non-HCM probands tested in the same lab (p=6.22E-4), enabling activation of the PS4_strong criteria (Mazzarotto & Girolami et al., 2018; Kelly et al., 2018). Computational evidence is also to be considered supportive of pathogenicity, as multiple in silico pathogenicity predictors classify this variant as damaging / deleterious, enabling activation of the PP3 criteria supporting pathogenicity. In conclusion, the activation of 2 strong, 2 moderate and 1 supporting criteria in favour of pathogenicity enables classification of the MYH7:Arg869His variant as pathogenic for HCM.

Women's Health and Genetics/Laboratory Corporation of America, LabCorp
Classification: Likely pathogenic for Primary familial hypertrophic cardiomyopathy. Last evaluated: 2019-11-27. Review status: criteria provided, single submitter. Criteria: LabCorp Variant Classification Summary - May 2015. Collection method: clinical testing. Allele origin: germline. Not counted in ClinVar's aggregate classification.
Comment: Variant Summary: MYH7 c.2606G>A (p.Arg869His) results in a non-conservative amino acid change located in the Myosin tail domain (IPR002928). Five of five in-silico tools predict a damaging effect of the variant on protein function (ACMG PP3, PP2). The variant allele was found at a frequency of 2.4e-05 in 251440 control chromosomes (gnomAD). The available data on variant occurrences in the general population are insufficient to allow any conclusion about variant significance. c.2606G>A has been reported in the literature in several well phenotyped individuals affected with and meeting established clinical criteria for Hypertrophic Cardiomyopathy (HCM) (e.g. Witjas-Paalberends_2013, Adalsteinsdottir_2014, Olivotto_2011, Girolami_2010, Walsh_2017, Ho_2018). Though the variant was reported to co-occur with other pathogenic MYBPC3 variants in two different families, the double heterozygous patients showed an earlier onset of HCM, a more rapid disease progression with a more severe phenotype than heterozygous variant carriers, which might be consistent with an additive effect for the co-occurring variants (Girolami_2010, Olivotto_2011). A recent study reported that the allele frequency of this variant in a cohort of HCM patients is much higher (0.0076; i.e. 42/5526 alleles) than that in controls (6/251440 in gnomAD), suggesting this variant could be associated with HCM (Ho_2018) (ACMG PS4). To our knowledge, no experimental evidence demonstrating an impact on protein function has been reported. Five ClinVar submissions (evaluation after 2014) cite the variant: four times as likely pathogenic and once as uncertain significance. In addition, other variants affecting the same codon, R869C, R869G, R869L, have been reported in HGMD in association with HCM (ACMG PM1). Based on the evidence outlined above the variant was re-classified as likely pathogenic.

Laboratory for Molecular Medicine, Mass General Brigham Personalized Medicine
Classification: Likely pathogenic for Hypertrophic cardiomyopathy. Last evaluated: 2019-08-14. Review status: criteria provided, single submitter. Criteria: LMM Criteria. Collection method: clinical testing. Allele origin: germline. Observed: 8 variant alleles. Not counted in ClinVar's aggregate classification.
Comment: The p.Arg869His variant in MYH7 has been reported in >15 individuals with HCM and segregated with disease in one affected relative (Song 2005, Olivotto 2008, Girolami 2010, Adalsteinsdottir 2014, Bos 2014, Homburger 2016, Viswanathan 2017, Walsh 2017, LMM data). It has been identified in 6/251440 chromosomes by gnomAD. Computational prediction tools and conservation analysis suggest that this variant may impact the protein, though this information is not predictive enough to determine pathogenicity. In addition, this variant lies in the head region of the protein and missense variants in this region are statistically more likely to be disease-associated (Walsh 2016). In summary, this variant meets criteria to be classified as likely pathogenic for autosomal dominant HCM. ACMG/AMP Criteria applied: PS4, PM1, PM2, PP3.

Human Genome Sequencing Center Clinical Lab, Baylor College of Medicine
Classification: Likely pathogenic for Hypertrophic cardiomyopathy 1. Last evaluated: 2017-07-06. Review status: criteria provided, single submitter. Criteria: ACMG Guidelines, 2015. Collection method: clinical testing. Allele origin: germline. Not counted in ClinVar's aggregate classification.
Comment: This c.2606G>A (p.Arg869His) variant in the MYH7 gene has been reported in several patients with hypertrophic cardiomyopathy [PMID 18533079, 20359594, 24793961, 14676227, 27247418, 25078086]. Cosegregation has been reported but no detailed information was available for review [PMID 18533079]. The patient carries a frameshift variant in TNNI3 and a missense in MYBPC3, both inherited from the father; and this variant in MYH7, inherited from the mother. The mother had mild asymmetric septal hypertrophy. Additional patients have been reported with a change affecting the same amino acid position (Arg869Cys, Arg869Gly). While not validated for clinical use, computer-based algorithms yield discrepant results regarding the deleterious effect of this p.Arg869His change. However, this variant is highly conserved in mammal. This variant has been observed in 6 heterozygous individuals in the gnomAD database. This variant is thus classified as likely pathogenic.

Juno Genomics, Hangzhou Juno Genomics, Inc
Classification: Likely pathogenic for Dilated cardiomyopathy 1S; Hypertrophic cardiomyopathy 1. Review status: criteria provided, single submitter. Criteria: ACMG Guidelines, 2015. Collection method: clinical testing. Allele origin: germline. Not counted in ClinVar's aggregate classification.
Comment: The prevalence of the variant in affected individuals is significantly increased compared to the prevalence in controls.;Located in a mutational hot spot and/or critical and well-established functional domain without benign variation.;Co-segregation with disease in multiple affected family members.

PreventionGenetics, part of Exact Sciences
Classification: Likely pathogenic for MYH7-related condition. Last evaluated: 2024-04-23. Review status: no assertion criteria provided. Collection method: clinical testing. Allele origin: germline. Not counted in ClinVar's aggregate classification.
Comment: The MYH7 c.2606G>A variant is predicted to result in the amino acid substitution p.Arg869His. This variant has been reported in multiple individuals with hypertrophic cardiomyopathy (see for example, Table S1, Bos et al. 2014. PubMed ID: 24793961; Table 2, Adalsteinsdottir et al. 2014. PubMed ID: 25078086; Table S5, Viswanathan et al. 2017. PubMed ID: 29121657). Moreover, this variant has been observed to be enriched in the disease cohort in a case-control study for hypertrophic cardiomyopathy (Table S1, Homburger et al. 2016. PubMed ID: 27247418). This variant is reported in six out of ~250,000 alleles in gnomAD. Alternate nucleotide substitutions affecting the same amino acid (p.Arg869Gly, p.Arg869Cys, p.Arg869Pro, and p.Arg869Leu) have been reported in multiple individuals with hypertrophic cardiomyopathy (Table 1, Richard et al. 2000. PubMed ID: 10900182; Table 1, Nakashima et al. 2020. PubMed ID: 32830170; Table S1, Chung et al. 2021. PubMed ID: 33658040; Table S1, Walsh et al. 2017. PubMed ID: 27532257). In summary, the c.2606G>A (p.Arg869His) variant is interpreted as likely pathogenic.

deCODE genetics, Amgen
Classification: Likely pathogenic for Hypertrophic cardiomyopathy 1. Last evaluated: 2023-07-21. Review status: no assertion criteria provided. Collection method: research. Allele origin: germline. Affected: yes. Observed: 7 variant alleles. Not counted in ClinVar's aggregate classification.
Comment: The variant NM_000257.4:c.2606G>A (chr14:23424842) in MYH7 was detected in 7 heterozygotes out of 58K WGS Icelanders (MAF= 0,006%). Following imputation in a set of 166K Icelanders (7 imputed heterozygotes) we observed a suggestive association with cardiomyopathy (OR=62,1 , P-value=0,03) using 1974 cases and 365360 controls. This variant has been reported in ClinVar previously as likely pathogenic, pathogenic, and as a variant of uncertain significance. Based on ACMG criteria (PS4, PM2_Supporting, PP1_Moderate, PP5) this variant classifies as likely pathogenic.

Literature cited by the submitters: PubMed 15358028 (cited by 5 submitters); PubMed 18533079 (cited by 7 submitters); PubMed 20359594 (cited by 7 submitters); PubMed 23674513 (cited by 7 submitters); PubMed 25078086 (cited by 7 submitters); PubMed 25351510 (cited by Ambry Genetics); PubMed 27247418 (cited by 5 submitters); PubMed 27532257 (cited by 6 submitters); PubMed 29710196 (cited by Ambry Genetics); PubMed 24714796 (cited by Victorian Clinical Genetics Services, Murdoch Childrens Research Institute); PubMed 29300372 (cited by 3 submitters); PubMed 16858239 (cited by 5 submitters); PubMed 17180650 (cited by 3 submitters); PubMed 22763267 (cited by Labcorp Genetics (formerly Invitae), Labcorp and Women's Health and Genetics/Laboratory Corporation of America, LabCorp); PubMed 24093860 (cited by 5 submitters); PubMed 29121657 (cited by 6 submitters); PubMed 30588760 (cited by Labcorp Genetics (formerly Invitae), Labcorp); PubMed 32380161 (cited by Labcorp Genetics (formerly Invitae), Labcorp); PubMed 30297972 (cited by 5 submitters); PubMed 2753225 (cited by Variantyx, Inc.); PubMed 25524337 (cited by Variantyx, Inc. and Women's Health and Genetics/Laboratory Corporation of America, LabCorp); PubMed 24793961 (cited by 5 submitters); PubMed 36203036 (cited by Color Diagnostics, LLC DBA Color Health and All of Us Research Program, National Institutes of Health); PubMed 10862102 (cited by 3billion); PubMed 21835320 (cited by Johns Hopkins Genomics, Johns Hopkins University and Women's Health and Genetics/Laboratory Corporation of America, LabCorp); PubMed 26332594 (cited by Women's Health and Genetics/Laboratory Corporation of America, LabCorp); PubMed 31112422 (cited by Women's Health and Genetics/Laboratory Corporation of America, LabCorp); PubMed 15563892 (cited by Laboratory for Molecular Medicine, Mass General Brigham Personalized Medicine).